The following is an entry in ClinVar:

NM_017649.5(CNNM2):c.*543A>G

Gene: CNNM2 (cyclin and CBS domain divalent metal cation transport mediator 2; plus strand). Cytogenetic location: 10q24.32.
Variant type: single nucleotide variant.
Coding change: c.*543A>G on transcript NM_017649.5 (MANE Select); 543 bases downstream of the stop codon, A replaced by G.
Molecular consequence: 3 prime UTR variant.
Genome position (GRCh38, 1-based): chr10:103,077,723, A>G. VCF-style: chr10-103077723-A-G. GRCh37 (hg19) VCF-style: chr10-104837480-A-G.
Other names: c.*543A>G (NM_199076.3).
Identifiers: ClinVar variation 878078 (VCV000878078.5), dbSNP rs145025818, ClinGen allele CA212310347.

ClinVar aggregate classification (germline): Benign/Likely benign. Review status: criteria provided, multiple submitters, no conflicts (2 of 4 stars). 2 submissions from 2 submitters: Benign (1); Likely benign (1). Last evaluated 2026-05-25.

Conditions:
Renal hypomagnesemia 6. Identifiers: Orphanet 34527, MedGen C3151295, MONDO:0013480, OMIM 613882.

Allele frequency attached by ClinVar (database versions not stated): TOPMed 0.00037; 1000 Genomes Project 0.00100; 1000 Genomes Project 30x 0.00125; gnomAD 0.00018 and 0.00027.

Submissions (2):

Revvity Omics, Revvity
Classification: Likely benign. Last evaluated: 2026-05-25. Review status: criteria provided, single submitter. Criteria: ACMG Guidelines, 2015. Collection method: clinical testing. Allele origin: germline.

Illumina Laboratory Services, Illumina
Classification: Benign for Renal hypomagnesemia 6. Last evaluated: 2018-01-12. Review status: criteria provided, single submitter. Criteria: ICSL Variant Classification Criteria 13 December 2019. Collection method: clinical testing. Allele origin: germline.
Comment: This variant was observed in the ICSL laboratory as part of a predisposition screen in an ostensibly healthy population. It had not been previously curated by ICSL or reported in the Human Gene Mutation Database (HGMD: prior to June 1st, 2018), and was therefore a candidate for classification through an automated scoring system. Utilizing variant allele frequency, disease prevalence and penetrance estimates, and inheritance mode, an automated score was calculated to assess if this variant is too frequent to cause the disease. Based on the score and internal cut-off values, a variant classified as benign is not then subjected to further curation. The score for this variant resulted in a classification of benign for this disease.